The following is an entry in ClinVar:

NM_001845.6(COL4A1):c.1613G>A (p.Arg538Gln)

Gene: COL4A1 (collagen type IV alpha 1 chain; minus strand). Cytogenetic location: 13q34.
Variant type: single nucleotide variant.
Coding change: c.1613G>A on transcript NM_001845.6 (MANE Select); coding-DNA position 1613, G replaced by A.
Protein change: p.Arg538Gln; replaces arginine 538 with glutamine.
Molecular consequence: missense variant.
Genome position (GRCh38, 1-based): chr13:110,187,253, C>T on the plus strand (G>A on the coding strand, the complement: COL4A1 is on the minus strand). VCF-style: chr13-110187253-C-T. GRCh37 (hg19) VCF-style: chr13-110839600-C-T.
Other names: c.1613G>A (NM_001845.5); short protein forms R538Q.
Identifiers: ClinVar variation 1320406 (VCV001320406.11), dbSNP rs147361934, ClinGen allele CA7047869.
Genomic context (GRCh38, chr13:110,187,253, plus strand): 5'-GCTCTCCCTGGCATGCCGGGCTGTCCTGGAAAGCCTGGGTCTCCTTTGTCACCTTTGAGC[C>T]GCAAGTCGAAATAAAACTCACCAGGCTCCCCCTTGGCTCCTGGCTGGCCTATCAGCCCTG-3'
Protein context (NP_001836.3, residues 528-548): GEPGEFYFDL[Arg538Gln]LKGDKGDPGF

ClinVar aggregate classification (germline): Uncertain significance. Review status: criteria provided, multiple submitters, no conflicts (2 of 4 stars). 4 submissions from 4 submitters: Uncertain significance (4). Last evaluated 2025-02-06.

Conditions:
COL4A1-related disorder. Also called: COL4A1-related disorders; COL4A1-related condition. Identifiers: MedGen CN376119, MONDO:0800461.
Autosomal dominant familial hematuria-retinal arteriolar tortuosity-contractures syndrome. Also called: Angiopathy, hereditary, with nephropathy, aneurysms, and muscle cramps; Hereditary Angiopathy with Nephropathy, Aneurysms, and Muscle Cramps (HANAC) Syndrome. Identifiers: Orphanet 73229, MedGen C2673195, MONDO:0012726, OMIM 611773.
Microangiopathy and leukoencephalopathy, pontine, autosomal dominant. Also called: DEMENTIA, HEREDITARY MULTI-INFARCT, SWEDISH TYPE; Pontine autosomal dominant microangiopathy with leukoencephalopathy. Identifiers: Orphanet 477749, MedGen C5231411, MONDO:0032814, OMIM 618564.
Brain small vessel disease 1 with or without ocular anomalies (BSVD1). Also called: PORENCEPHALY, TYPE 1, AUTOSOMAL DOMINANT; BRAIN SMALL VESSEL DISEASE WITH HEMORRHAGE; GOULD SYNDROME 1; Brain small vessel disease with or without ocular anomalies. Identifiers: Orphanet 2940, Orphanet 36383, Orphanet 99810, MedGen C4755307, MONDO:0008289, OMIM 175780.
Retinal arterial tortuosity. Also called: Retinal arteries, tortuosity of; RETINAL HEMORRHAGE WITH VASCULAR TORTUOSITY. Identifiers: Orphanet 75326, MedGen C0423401, MONDO:0008373, OMIM 180000, HP:0000631.
Hemorrhage, intracerebral, susceptibility to (ICH). Also called: Stroke, hemorrhagic, susceptibility to. Identifiers: MedGen C3281105, MONDO:0100533, OMIM 614519.

Allele frequency attached by ClinVar (database versions not stated): gnomAD exomes 0.00003; ExAC 0.00004; ESP Exome Variant Server 0.00008.
gnomAD v4.1: 14 of 1,613,788 alleles (0.00087%); highest among the groups gnomAD compares: East Asian, 0.0022%; no homozygotes.

Submissions (4):

PreventionGenetics, part of Exact Sciences
Classification: Uncertain significance for COL4A1-related condition. Last evaluated: 2025-02-06. Review status: criteria provided, single submitter. Criteria: ACMG Guidelines, 2015. Collection method: clinical testing. Allele origin: germline.
Comment: The COL4A1 c.1613G>A variant is predicted to result in the amino acid substitution p.Arg538Gln. To our knowledge, this variant has not been reported in the literature. A different substitution at this amino acid position (p.Arg538Gly) was reported in an individual with suspected late onset intracerebral hemorrhage; however, pathogenicity of this variant was not established (Weng et al. 2012. PubMed ID: 22522439). This variant is reported in 0.0062% of alleles in individuals of European (non-Finnish) descent in gnomAD. At this time, the clinical significance of this variant is uncertain due to the absence of conclusive functional and genetic evidence.

Fulgent Genetics
Classification: Uncertain significance for Brain small vessel disease 1 with or without ocular anomalies; Retinal arterial tortuosity; Autosomal dominant familial hematuria-retinal arteriolar tortuosity-contractures syndrome; Hemorrhage, intracerebral, susceptibility to; Microangiopathy and leukoencephalopathy, pontine, autosomal dominant. Last evaluated: 2024-01-05. Review status: criteria provided, single submitter. Criteria: ACMG Guidelines, 2015. Collection method: clinical testing. Allele origin: germline.

Labcorp Genetics (formerly Invitae), Labcorp
Classification: Uncertain significance. Last evaluated: 2023-08-10. Review status: criteria provided, single submitter. Criteria: Invitae Variant Classification Sherloc (09022015). Collection method: clinical testing. Allele origin: germline.
Comment: Algorithms developed to predict the effect of sequence changes on RNA splicing suggest that this variant may create or strengthen a splice site. In summary, the available evidence is currently insufficient to determine the role of this variant in disease. Therefore, it has been classified as a Variant of Uncertain Significance. An algorithm developed to predict the effect of missense changes on protein structure and function (PolyPhen-2) suggests that this variant is likely to be tolerated. ClinVar contains an entry for this variant (Variation ID: 1320406). This variant has not been reported in the literature in individuals affected with COL4A1-related conditions. This variant is present in population databases (rs147361934, gnomAD 0.006%). This sequence change replaces arginine, which is basic and polar, with glutamine, which is neutral and polar, at codon 538 of the COL4A1 protein (p.Arg538Gln).

GeneDx
Classification: Uncertain significance. Last evaluated: 2021-01-12. Review status: criteria provided, single submitter. Criteria: GeneDx Variant Classification Process June 2021. Collection method: clinical testing. Allele origin: germline. Affected: yes.
Comment: Has not been previously published as pathogenic or benign to our knowledge; In silico analysis supports that this missense variant does not alter protein structure/function, though splice predictors suggest that this variant may impact gene splicing; however, in the absence of RNA/functional studies, the actual effect of this sequence change is unknown